The following is an entry in ClinVar:

NM_052813.5(CARD9):c.1234A>G (p.Arg412Gly)

Gene: CARD9 (caspase recruitment domain family member 9; minus strand). Cytogenetic location: 9q34.3.
Variant type: single nucleotide variant.
Coding change: c.1234A>G on transcript NM_052813.5 (MANE Select); coding-DNA position 1234, A replaced by G.
Protein change: p.Arg412Gly; replaces arginine 412 with glycine.
Molecular consequence: missense variant.
Genome position (GRCh38, 1-based): chr9:136,367,672, T>C on the plus strand (A>G on the coding strand, the complement: CARD9 is on the minus strand). VCF-style: chr9-136367672-T-C. GRCh37 (hg19) VCF-style: chr9-139262124-T-C.
Other names: c.1234A>G, p.Arg412Gly (NM_052814.4); short protein forms R412G.
Identifiers: ClinVar variation 3688642 (VCV003688642.2).

ClinVar aggregate classification (germline): Uncertain significance (1 of 4 stars; one submission).

Conditions:
Predisposition to invasive fungal disease due to CARD9 deficiency (IMD103). Also called: Candidiasis, familial, 2, autosomal recessive; IMMUNODEFICIENCY 103, SUSCEPTIBILITY TO FUNGAL INFECTIONS; CARD9 IMMUNODEFICIENCY. Identifiers: Orphanet 457088, MedGen C1859353, MONDO:0008905, OMIM 212050.

Submission:

Labcorp Genetics (formerly Invitae), Labcorp
Classification: Uncertain significance for Predisposition to invasive fungal disease due to CARD9 deficiency. Last evaluated: 2025-01-23. Review status: criteria provided, single submitter. Criteria: Invitae Variant Classification Sherloc (09022015). Collection method: clinical testing. Allele origin: germline.
Comment: This sequence change replaces arginine, which is basic and polar, with glycine, which is neutral and non-polar, at codon 412 of the CARD9 protein (p.Arg412Gly). This variant is not present in population databases (gnomAD no frequency). This variant has not been reported in the literature in individuals affected with CARD9-related conditions. Invitae Evidence Modeling of protein sequence and biophysical properties (such as structural, functional, and spatial information, amino acid conservation, physicochemical variation, residue mobility, and thermodynamic stability) indicates that this missense variant is not expected to disrupt CARD9 protein function with a negative predictive value of 80%. In summary, the available evidence is currently insufficient to determine the role of this variant in disease. Therefore, it has been classified as a Variant of Uncertain Significance.